The following is an entry in ClinVar:

NM_025207.5(FLAD1):c.1660G>A (p.Val554Met)

Gene: FLAD1 (flavin adenine dinucleotide synthetase 1; plus strand). Cytogenetic location: 1q21.3.
Variant type: single nucleotide variant.
Coding change: c.1660G>A on transcript NM_025207.5 (MANE Select); coding-DNA position 1660, G replaced by A.
Protein change: p.Val554Met; replaces valine 554 with methionine.
Molecular consequence: missense variant. On other transcripts: 3 prime UTR variant (1).
Genome position (GRCh38, 1-based): chr1:154,992,933, G>A. VCF-style: chr1-154992933-G-A. GRCh37 (hg19) VCF-style: chr1-154965409-G-A.
Other names: c.*143G>A (NM_001184891.2); c.1369G>A, p.Val457Met (NM_201398.3); short protein forms V554M, V457M.
Identifiers: ClinVar variation 1900758 (VCV001900758.3), dbSNP rs755015538, ClinGen allele CA1134659.

ClinVar aggregate classification (germline): Uncertain significance. Review status: criteria provided, multiple submitters, no conflicts (2 of 4 stars). 2 submissions from 2 submitters: Uncertain significance (2). Last evaluated 2022-06-04.

Conditions:
Inborn genetic diseases. Identifiers: MedGen C0950123, MeSH D030342.

Allele frequency attached by ClinVar (database versions not stated): gnomAD 0.00001; gnomAD exomes 0.00001; ExAC 0.00002; TOPMed 0.00002.
gnomAD v4.1: 26 of 1,613,836 alleles (0.0016%); highest among the groups gnomAD compares: Admixed American, 0.013%; no homozygotes.

Submissions (2):

Labcorp Genetics (formerly Invitae), Labcorp
Classification: Uncertain significance. Last evaluated: 2022-06-04. Review status: criteria provided, single submitter. Criteria: Invitae Variant Classification Sherloc (09022015). Collection method: clinical testing. Allele origin: germline.
Comment: This sequence change replaces valine, which is neutral and non-polar, with methionine, which is neutral and non-polar, at codon 554 of the FLAD1 protein (p.Val554Met). This variant is present in population databases (rs755015538, gnomAD 0.01%). This variant has not been reported in the literature in individuals affected with FLAD1-related conditions. Algorithms developed to predict the effect of missense changes on protein structure and function output the following: SIFT: "Deleterious"; PolyPhen-2: "Benign"; Align-GVGD: "Class C0". The methionine amino acid residue is found in multiple mammalian species, which suggests that this missense change does not adversely affect protein function. In summary, the available evidence is currently insufficient to determine the role of this variant in disease. Therefore, it has been classified as a Variant of Uncertain Significance.

Ambry Genetics
Classification: Uncertain significance for Inborn genetic diseases. Last evaluated: 2022-04-12. Review status: criteria provided, single submitter. Criteria: Ambry Variant Classification Scheme 2023. Collection method: clinical testing. Allele origin: germline.